The following is an entry in ClinVar:

ClinVar aggregate classification (germline): Conflicting classifications of pathogenicity. Review status: criteria provided, conflicting classifications (1 of 4 stars). 2 submissions from 2 submitters: Uncertain significance (1); Likely benign (1). Last evaluated 2026-08-14.

Conditions:
Hereditary cancer-predisposing syndrome. Also called: Hereditary Cancer Syndrome; Hereditary neoplastic syndrome; Neoplastic Syndromes, Hereditary; Tumor predisposition. Identifiers: Orphanet 140162, MedGen C0027672, MeSH D009386, MONDO:0015356.

Submissions (2):

Ambry Genetics
Classification: Likely benign for Hereditary cancer-predisposing syndrome. Last evaluated: 2026-08-14. Review status: criteria provided, single submitter. Criteria: Ambry Variant Classification Scheme 2023. Collection method: clinical testing. Allele origin: germline.

Color Diagnostics, LLC DBA Color Health
Classification: Uncertain significance for Hereditary cancer-predisposing syndrome. Last evaluated: 2022-12-13. Review status: criteria provided, single submitter. Criteria: ACMG Guidelines, 2015. Collection method: clinical testing. Allele origin: germline.
Comment: This missense variant replaces alanine with serine at codon 488 of the PMS2 protein. Computational prediction suggests that this variant may not impact protein structure and function (internally defined REVEL score threshold <= 0.5, PMID: 27666373). To our knowledge, functional studies have not been reported for this variant. This variant has not been reported in individuals affected with PMS2-related disorders in the literature. This variant has not been identified in the general population by the Genome Aggregation Database (gnomAD). The available evidence is insufficient to determine the role of this variant in disease conclusively. Therefore, this variant is classified as a Variant of Uncertain Significance.

NM_000535.7(PMS2):c.1462G>T (p.Ala488Ser)

Gene: PMS2 (PMS1 homolog 2, mismatch repair system component; minus strand). Cytogenetic location: 7p22.1.
Variant type: single nucleotide variant.
Coding change: c.1462G>T on transcript NM_000535.7 (MANE Select); coding-DNA position 1462, G replaced by T.
Protein change: p.Ala488Ser; replaces alanine 488 with serine.
Molecular consequence: missense variant. On other transcripts: non-coding transcript variant (1).
Genome position (GRCh38, 1-based): chr7:5,987,303, C>A on the plus strand (G>T on the coding strand, the complement: PMS2 is on the minus strand). VCF-style: chr7-5987303-C-A. GRCh37 (hg19) VCF-style: chr7-6026934-C-A.
Other names: c.1153G>T, p.Ala385Ser (NM_001322015.2, NM_001406875.1, NM_001406877.1 and 5 more transcripts); c.1648G>T, p.Ala550Ser (NM_001406866.1); c.1486G>T, p.Ala496Ser (NM_001406868.1); c.1354G>T, p.Ala452Ser (NM_001406869.1); c.1306G>T, p.Ala436Ser (NM_001406870.1, NM_001322006.2); c.1462G>T, p.Ala488Ser (NM_001406871.1, NM_001406872.1, NM_001322014.2); c.1264G>T, p.Ala422Ser (NM_001406873.1); c.1294G>T, p.Ala432Ser (NM_001406874.1); and 12 more; short protein forms A177S, A382S, A385S, A436S, A488S, A301S, A333S, A422S.
Identifiers: ClinVar variation 1773191 (VCV001773191.5), dbSNP rs1783084396, ClinGen allele CA366741899.